The following is an entry in ClinVar:

NM_001190274.2(FBXO11):c.660G>T (p.Gln220His)

Gene: FBXO11 (F-box protein 11; minus strand). Cytogenetic location: 2p16.3.
Variant type: single nucleotide variant.
Coding change: c.660G>T on transcript NM_001190274.2 (MANE Select); coding-DNA position 660, G replaced by T.
Protein change: p.Gln220His; replaces glutamine 220 with histidine.
Molecular consequence: missense variant.
Genome position (GRCh38, 1-based): chr2:47,835,929, C>A on the plus strand (G>T on the coding strand, the complement: FBXO11 is on the minus strand). VCF-style: chr2-47835929-C-A. GRCh37 (hg19) VCF-style: chr2-48063068-C-A.
Other names: c.408G>T, p.Gln136His (NM_001374325.1, NM_025133.4); short protein forms Q136H, Q220H.
Identifiers: ClinVar variation 1404837 (VCV001404837.6), dbSNP rs751613889, ClinGen allele CA1650060.

ClinVar aggregate classification (germline): Uncertain significance (1 of 4 stars; one submission).

Allele frequency attached by ClinVar (database versions not stated): ExAC 0.00001.
gnomAD v4.1: 7 of 1,611,904 alleles (0.00043%); highest among the groups gnomAD compares: African/African-American, 0.0053%; no homozygotes.

Submission:

Labcorp Genetics (formerly Invitae), Labcorp
Classification: Uncertain significance. Last evaluated: 2024-10-31. Review status: criteria provided, single submitter. Criteria: Invitae Variant Classification Sherloc (09022015). Collection method: clinical testing. Allele origin: germline.
Comment: This sequence change replaces glutamine, which is neutral and polar, with histidine, which is basic and polar, at codon 220 of the FBXO11 protein (p.Gln220His). This variant is present in population databases (rs751613889, gnomAD 0.003%). This variant has not been reported in the literature in individuals affected with FBXO11-related conditions. ClinVar contains an entry for this variant (Variation ID: 1404837). An algorithm developed to predict the effect of missense changes on protein structure and function (PolyPhen-2) suggests that this variant is likely to be tolerated. In summary, the available evidence is currently insufficient to determine the role of this variant in disease. Therefore, it has been classified as a Variant of Uncertain Significance.